The following is an entry in ClinVar:

ClinVar aggregate classification (germline): Likely benign. Review status: criteria provided, multiple submitters, no conflicts (2 of 4 stars). 4 submissions from 4 submitters: Likely benign (4). Last evaluated 2026-09-01.

Conditions:
Ullrich congenital muscular dystrophy 2 (UCMD2). Identifiers: Orphanet 75840, MedGen C4225314, MONDO:0014654, OMIM 616470.
Bethlem myopathy 2 (BTHLM2). Identifiers: Orphanet 536516, Orphanet 610, MedGen C4225313, MONDO:0034022, OMIM 616471.

Allele frequency attached by ClinVar (database versions not stated): 1000 Genomes Project 30x 0.00016; gnomAD 0.00018 and 0.00020; 1000 Genomes Project 0.00020; TOPMed 0.00024; ESP Exome Variant Server 0.00025; gnomAD exomes 0.00025 and 0.00035; ExAC 0.00031.
gnomAD v4.1: 387 of 1,607,544 alleles (0.024%); highest among the groups gnomAD compares: Admixed American, 0.097%; 2 homozygotes.

Submissions (4):

CeGaT Center for Human Genetics Tuebingen
Classification: Likely benign. Last evaluated: 2026-09-01. Review status: criteria provided, single submitter. Criteria: CeGaT Center For Human Genetics Tuebingen Variant Classification Criteria Version 2. Collection method: clinical testing. Allele origin: germline. Affected: yes. Observed: 1 variant allele.
Comment: COL12A1: BP4

Labcorp Genetics (formerly Invitae), Labcorp
Classification: Likely benign for Bethlem myopathy 2; Ullrich congenital muscular dystrophy 2. Last evaluated: 2026-02-03. Review status: criteria provided, single submitter. Criteria: Invitae Variant Classification Sherloc (09022015). Collection method: clinical testing. Allele origin: germline.

Women's Health and Genetics/Laboratory Corporation of America, LabCorp
Classification: Likely benign. Last evaluated: 2025-11-05. Review status: criteria provided, single submitter. Criteria: LabCorp Variant Classification Summary - May 2015. Collection method: clinical testing. Allele origin: germline.
Comment: Variant summary: COL12A1 c.5501G>A (p.Arg1834Gln) results in a conservative amino acid change in the encoded protein sequence. Algorithms developed to predict the effect of missense changes on protein structure and function all suggest that this variant is likely to be tolerated. The variant allele was found at a frequency of 0.00024 in 1607544 control chromosomes, predominantly at a frequency of 0.00097 within the Latino subpopulation in the gnomAD database. This frequency is not significantly higher than estimated for disease-causing variants in COL12A1, allowing no conclusion about variant significance. However, 2 homozygous controls were reported in gnomAD, which is not consistent with the early onset/severe presentation of autosomal recessive COL12A1-related conditions. To our knowledge, no occurrence of c.5501G>A in individuals affected with COL12A1-related conditions and no experimental evidence demonstrating its impact on protein function have been reported. ClinVar contains an entry for this variant (Variation ID: 542478). Based on the evidence outlined above, the variant was classified as likely benign.

GeneDx
Classification: Likely benign. Last evaluated: 2021-04-02. Review status: criteria provided, single submitter. Criteria: GeneDx Variant Classification Process June 2021. Collection method: clinical testing. Allele origin: germline. Affected: yes.

NM_004370.6(COL12A1):c.5501G>A (p.Arg1834Gln)

Gene: COL12A1 (collagen type XII alpha 1 chain; minus strand). Cytogenetic location: 6q13.
Variant type: single nucleotide variant.
Coding change: c.5501G>A on transcript NM_004370.6 (MANE Select); coding-DNA position 5501, G replaced by A.
Protein change: p.Arg1834Gln; replaces arginine 1834 with glutamine.
Molecular consequence: missense variant.
Genome position (GRCh38, 1-based): chr6:75,134,749, C>T on the plus strand (G>A on the coding strand, the complement: COL12A1 is on the minus strand). VCF-style: chr6-75134749-C-T. GRCh37 (hg19) VCF-style: chr6-75844465-C-T.
Other names: c.2009G>A, p.Arg670Gln (NM_080645.3); short protein forms R1834Q, R670Q.
Identifiers: ClinVar variation 542478 (VCV000542478.19), dbSNP rs182768408, ClinGen allele CA3893116.